The following is an entry in ClinVar:

ClinVar aggregate classification (germline): Conflicting classifications of pathogenicity. Review status: criteria provided, conflicting classifications (1 of 4 stars). 2 submissions from 2 submitters: Uncertain significance (1); Likely benign (1). Last evaluated 2024-09-20.

Conditions:
Congenital microvillous atrophy (DIAR2). Also called: CONGENITAL FAMILIAL PROTRACTED DIARRHEA WITH ENTEROCYTE BRUSH-BORDER ABNORMALITIES; DAVIDSON DISEASE; MICROVILLUS ATROPHY, CONGENITAL; Microvillus inclusion disease; Diarrhea 2 with microvillus atrophy, with or without cholestasis. Identifiers: Orphanet 2290, MedGen C0341306, MONDO:0009635, OMIM 251850.
Cholestasis, progressive familial intrahepatic, 10 (PFIC10). Identifiers: MedGen C5676981, MONDO:0030810, OMIM 619868.

Allele frequency attached by ClinVar (database versions not stated): 1000 Genomes Project 30x 0.00031; TOPMed 0.00069.
gnomAD v4.1: 1,079 of 1,227,064 alleles (0.088%); highest among the groups gnomAD compares: South Asian, 0.099%; no homozygotes.

Submissions (2):

3billion
Classification: Likely benign for Cholestasis, progressive familial intrahepatic, 10; Congenital microvillous atrophy. Last evaluated: 2024-09-20. Review status: criteria provided, single submitter. Criteria: ACMG Guidelines, 2015. Collection method: clinical testing. Allele origin: germline. Affected: no.
Comment: The homozygous variant was found in patients diagnosed with another variant in a different gene, with no symptoms related to the gene containing the homozygous variant.

Illumina Laboratory Services, Illumina
Classification: Uncertain significance for Congenital microvillous atrophy. Last evaluated: 2018-01-13. Review status: criteria provided, single submitter. Criteria: ICSL Variant Classification Criteria 13 December 2019. Collection method: clinical testing. Allele origin: germline.

NM_001080467.3(MYO5B):c.-93C>T

Genes: MYO5B (myosin VB; minus strand), LOC130062487 (ATAC-STARR-seq lymphoblastoid silent region 9453; plus strand). Cytogenetic location: 18q21.1.
Variant type: single nucleotide variant.
Coding change: c.-93C>T on transcript NM_001080467.3 (MANE Select); 93 bases upstream of the start codon, C replaced by T.
Molecular consequence: 5 prime UTR variant.
Genome position (GRCh38, 1-based): chr18:50,194,886, G>A on the plus strand (C>T on the coding strand, the complement: MYO5B is on the minus strand). VCF-style: chr18-50194886-G-A. GRCh37 (hg19) VCF-style: chr18-47721256-G-A.
Identifiers: ClinVar variation 891724 (VCV000891724.5), dbSNP rs1007521035, ClinGen allele CA300006708.